The following is an entry in ClinVar:

ClinVar aggregate classification (germline): Benign/Likely benign. Review status: criteria provided, multiple submitters, no conflicts (2 of 4 stars). 4 submissions from 4 submitters: Benign (1); Likely benign (3). Last evaluated 2025-11-21.

Conditions:
Familial adenomatous polyposis 1 (FAP1). Also called: POLYPOSIS, ADENOMATOUS INTESTINAL; FAMILIAL ADENOMATOUS POLYPOSIS 1, ATTENUATED. Identifiers: MedGen C2713442, MONDO:0021056, OMIM 175100. Disease mechanism: loss of function.
Hereditary cancer-predisposing syndrome. Also called: Hereditary Cancer Syndrome; Neoplastic Syndromes, Hereditary; Tumor predisposition; Hereditary neoplastic syndrome. Identifiers: Orphanet 140162, MedGen C0027672, MeSH D009386, MONDO:0015356.

Submissions (4):

Labcorp Genetics (formerly Invitae), Labcorp
Classification: Likely benign for Familial adenomatous polyposis 1. Last evaluated: 2025-11-21. Review status: criteria provided, single submitter. Criteria: Invitae Variant Classification Sherloc (09022015). Collection method: clinical testing. Allele origin: germline.

Myriad Genetics, Inc.
Classification: Benign for Familial adenomatous polyposis 1. Last evaluated: 2024-03-14. Review status: criteria provided, single submitter. Criteria: Myriad Autosomal Dominant, Autosomal Recessive and X-Linked Classification Criteria (2023). Collection method: clinical testing. Allele origin: unknown.
Comment: This variant is considered benign. This variant is a silent/synonymous amino acid change and it is not expected to impact splicing.

Ambry Genetics
Classification: Likely benign for Hereditary cancer-predisposing syndrome. Last evaluated: 2018-08-22. Review status: criteria provided, single submitter. Criteria: Ambry Variant Classification Scheme 2023. Collection method: clinical testing. Allele origin: germline.

Color Diagnostics, LLC DBA Color Health
Classification: Likely benign for Hereditary cancer-predisposing syndrome. Last evaluated: 2017-08-20. Review status: criteria provided, single submitter. Criteria: ACMG Guidelines, 2015. Collection method: clinical testing. Allele origin: germline.

NM_000038.6(APC):c.2475T>C (p.Tyr825=)

Gene: APC (APC regulator of Wnt signaling pathway; plus strand). Cytogenetic location: 5q22.2.
Variant type: single nucleotide variant.
Coding change: c.2475T>C on transcript NM_000038.6 (MANE Select); coding-DNA position 2475, T replaced by C.
Protein change: p.Tyr825=; no amino-acid change (tyrosine 825 retained).
Molecular consequence: synonymous variant.
Genome position (GRCh38, 1-based): chr5:112,838,069, T>C. VCF-style: chr5-112838069-T-C. GRCh37 (hg19) VCF-style: chr5-112173766-T-C.
Other names: c.2475T>C, p.Tyr825= (NM_001127510.3, NM_001354895.2); c.2421T>C, p.Tyr807= (NM_001127511.3); c.2529T>C, p.Tyr843= (NM_001354896.2); c.2505T>C, p.Tyr835= (NM_001354897.2); c.2400T>C, p.Tyr800= (NM_001354898.2); c.2391T>C, p.Tyr797= (NM_001354899.2); c.2352T>C, p.Tyr784= (NM_001354900.2); c.2298T>C, p.Tyr766= (NM_001354901.2); and 5 more.
Identifiers: ClinVar variation 490245 (VCV000490245.17), dbSNP rs1554084195, ClinGen allele CA445962783.